The following is an entry in ClinVar:

NM_001042517.2(DIAPH3):c.2792A>T (p.Gln931Leu)

Gene: DIAPH3 (diaphanous related formin 3; minus strand). Cytogenetic location: 13q21.2.
Variant type: single nucleotide variant.
Coding change: c.2792A>T on transcript NM_001042517.2 (MANE Select); coding-DNA position 2792, A replaced by T.
Protein change: p.Gln931Leu; replaces glutamine 931 with leucine.
Molecular consequence: missense variant.
Genome position (GRCh38, 1-based): chr13:59,839,394, T>A on the plus strand (A>T on the coding strand, the complement: DIAPH3 is on the minus strand). VCF-style: chr13-59839394-T-A. GRCh37 (hg19) VCF-style: chr13-60413528-T-A.
Other names: c.2759A>T, p.Gln920Leu (NM_001258366.2); c.2654A>T, p.Gln885Leu (NM_001258367.2); c.2582A>T, p.Gln861Leu (NM_001258368.2); c.2792A>T, p.Gln931Leu (NM_001258369.2); c.2003A>T, p.Gln668Leu (NM_030932.4); short protein forms Q861L, Q885L, Q920L, Q668L, Q931L.
Identifiers: ClinVar variation 4990746 (VCV004990746.1).

ClinVar aggregate classification (germline): Uncertain significance (1 of 4 stars; one submission).

Conditions:
DIAPH3-related disorder. Also called: DIAPH3-related condition.

gnomAD v4.1: 2 of 1,613,672 alleles (0.00012%); highest among the groups gnomAD compares: Non-Finnish European, 0.00017%; no homozygotes.

Submission:

PreventionGenetics, part of Exact Sciences
Classification: Uncertain significance for DIAPH3-related condition. Last evaluated: 2025-11-24. Review status: criteria provided, single submitter. Criteria: ACMG Guidelines, 2015. Collection method: clinical testing. Allele origin: germline.
Comment: The DIAPH3 c.2792A>T variant is predicted to result in the amino acid substitution p.Gln931Leu. To our knowledge, this variant has not been reported in the literature. This variant is reported in 0.0065% of alleles in individuals of European (Non-Finnish) descent in gnomAD. At this time, the clinical significance of this variant is uncertain due to the absence of conclusive functional and genetic evidence.